The following is an entry in ClinVar:

ClinVar aggregate classification (germline): Uncertain significance. Review status: criteria provided, multiple submitters, no conflicts (2 of 4 stars). 2 submissions from 2 submitters: Uncertain significance (2). Last evaluated 2026-02-23.

Conditions:
Inborn genetic diseases. Identifiers: MedGen C0950123, MeSH D030342.

gnomAD v4.1: 1 of 1,613,502 alleles (0.000062%); highest among the groups gnomAD compares: South Asian, 0.0011%; no homozygotes.

Submissions (2):

Ambry Genetics
Classification: Uncertain significance for Inborn genetic diseases. Last evaluated: 2026-02-23. Review status: criteria provided, single submitter. Criteria: Ambry Variant Classification Scheme 2023. Collection method: clinical testing. Allele origin: germline.
Comment: The c.1444A>G (p.M482V) alteration is located in exon 8 (coding exon 7) of the TRPV4 gene. This alteration results from a A to G substitution at nucleotide position 1444, causing the methionine (M) at amino acid position 482 to be replaced by a valine (V). Based on data from gnomAD, the G allele has an overall frequency of <0.001% (1/250954) total alleles studied. The highest observed frequency was 0.003% (1/30616) of South Asian alleles. Based on insufficient or conflicting evidence, the clinical significance of this alteration remains unclear.

Blueprint Genetics
Classification: Uncertain significance. Last evaluated: 2019-06-11. Review status: criteria provided, single submitter. Criteria: ACMG Guidelines, 2015. Collection method: clinical testing. Allele origin: germline.

NM_021625.5(TRPV4):c.1444A>G (p.Met482Val)

Gene: TRPV4 (transient receptor potential cation channel subfamily V member 4; minus strand). Cytogenetic location: 12q24.11.
Variant type: single nucleotide variant.
Coding change: c.1444A>G on transcript NM_021625.5 (MANE Select); coding-DNA position 1444, A replaced by G.
Protein change: p.Met482Val; replaces methionine 482 with valine.
Molecular consequence: missense variant.
Genome position (GRCh38, 1-based): chr12:109,794,376, T>C on the plus strand (A>G on the coding strand, the complement: TRPV4 is on the minus strand). VCF-style: chr12-109794376-T-C. GRCh37 (hg19) VCF-style: chr12-110232181-T-C.
Other names: c.1303A>G, p.Met435Val (NM_001177428.2); c.1342A>G, p.Met448Val (NM_001177431.2); c.1123A>G, p.Met375Val (NM_001177433.2); c.1264A>G, p.Met422Val (NM_147204.3); short protein forms M482V, M422V, M435V, M375V, M448V.
Identifiers: ClinVar variation 4840284 (VCV004840284.2).